The following is an entry in ClinVar:

NM_001042750.2(STAG2):c.152C>G (p.Ala51Gly)

Gene: STAG2 (STAG2 cohesin complex component; plus strand). Cytogenetic location: Xq25.
Variant type: single nucleotide variant.
Coding change: c.152C>G on transcript NM_001042750.2 (MANE Select); coding-DNA position 152, C replaced by G.
Protein change: p.Ala51Gly; replaces alanine 51 with glycine.
Molecular consequence: missense variant.
Genome position (GRCh38, 1-based): chrX:124,030,989, C>G. VCF-style: chrX-124030989-C-G. GRCh37 (hg19) VCF-style: chrX-123164839-C-G.
Other names: c.152C>G, p.Ala51Gly (NM_001042749.2, NM_001042751.2, NM_001282418.2 and 13 more transcripts); short protein forms A51G.
Identifiers: ClinVar variation 2898411 (VCV002898411.3), dbSNP rs1436980550, ClinGen allele CA414272222.
Genomic context (GRCh38, chrX:124,030,989, plus strand): 5'-TATAACTTAACCACCTCGTATTTTTTATGCAGACTTGTAAAAAAGGCAAAAAGGGCCCAG[C>G]AGAAAAGGGCAAAGGTGGAAATGGAGGAGGAAAACCTCCTTCTGGTCCAAACCGAATGAA-3'
Protein context (NP_001036215.1, residues 41-61): KTCKKGKKGP[Ala51Gly]EKGKGGNGGG

ClinVar aggregate classification (germline): Uncertain significance (1 of 4 stars; one submission).

gnomAD v4.1: 5 of 1,201,874 alleles (0.00042%); highest among the groups gnomAD compares: Non-Finnish European, 0.00045%; no homozygotes.

Submission:

Labcorp Genetics (formerly Invitae), Labcorp
Classification: Uncertain significance. Last evaluated: 2023-12-13. Review status: criteria provided, single submitter. Criteria: Invitae Variant Classification Sherloc (09022015). Collection method: clinical testing. Allele origin: germline.
Comment: This sequence change replaces alanine, which is neutral and non-polar, with glycine, which is neutral and non-polar, at codon 51 of the STAG2 protein (p.Ala51Gly). This variant is not present in population databases (gnomAD no frequency). This variant has not been reported in the literature in individuals affected with STAG2-related conditions. Advanced modeling of protein sequence and biophysical properties (such as structural, functional, and spatial information, amino acid conservation, physicochemical variation, residue mobility, and thermodynamic stability) performed at Invitae indicates that this missense variant is not expected to disrupt STAG2 protein function with a negative predictive value of 80%. In summary, the available evidence is currently insufficient to determine the role of this variant in disease. Therefore, it has been classified as a Variant of Uncertain Significance.